The following is an entry in ClinVar:

NM_001081.4(CUBN):c.758T>C (p.Phe253Ser)

Gene: CUBN (cubilin; minus strand). Cytogenetic location: 10p13.
Variant type: single nucleotide variant.
Coding change: c.758T>C on transcript NM_001081.4 (MANE Select); coding-DNA position 758, T replaced by C.
Protein change: p.Phe253Ser; replaces phenylalanine 253 with serine.
Molecular consequence: missense variant.
Genome position (GRCh38, 1-based): chr10:17,114,152, A>G on the plus strand (T>C on the coding strand, the complement: CUBN is on the minus strand). VCF-style: chr10-17114152-A-G. GRCh37 (hg19) VCF-style: chr10-17156151-A-G.
Other names: short protein forms F253S.
Identifiers: ClinVar variation 299538 (VCV000299538.38), dbSNP rs1801222, ClinGen allele CA5425509.

ClinVar aggregate classification (germline): Benign. Review status: criteria provided, multiple submitters, no conflicts (2 of 4 stars). 8 submissions from 8 submitters: Benign (8). Last evaluated 2026-02-04.

Conditions:
Imerslund-Grasbeck syndrome type 1 (IGS1). Also called: Megaloblastic anemia 1, Finnish type; MEGALOBLASTIC ANEMIA, 1; Imerslund-Gräsbeck syndrome 1. Identifiers: MedGen C4016819, MONDO:0100156, OMIM 261100.
Imerslund-Grasbeck syndrome. Also called: ENTEROCYTE COBALAMIN MALABSORPTION; ENTEROCYTE INTRINSIC FACTOR RECEPTOR, DEFECT OF; Imerslund-Gräsbeck syndrome; PERNICIOUS ANEMIA, JUVENILE, DUE TO SELECTIVE INTESTINAL MALABSORPTION OF VITAMIN B12, WITH PROTEINURIA; Megaloblastic anemia due to inborn errors of metabolism. Identifiers: Orphanet 35858, MedGen C4551825, MONDO:0009853.

Allele frequency attached by ClinVar (database versions not stated): gnomAD exomes 0.67040 and 0.72956; ESP Exome Variant Server 0.69845; gnomAD 0.72079 and 0.72697; ExAC 0.72783; TOPMed 0.73392; 1000 Genomes Project 30x 0.79872; 1000 Genomes Project 0.79932.
gnomAD v4.1: 1,092,138 of 1,612,932 alleles (68%); highest among the groups gnomAD compares: Middle Eastern, 88%; 374,929 homozygotes.

Submissions (8):

Labcorp Genetics (formerly Invitae), Labcorp
Classification: Benign for Imerslund-Grasbeck syndrome. Last evaluated: 2026-02-04. Review status: criteria provided, single submitter. Criteria: Invitae Variant Classification Sherloc (09022015). Collection method: clinical testing. Allele origin: germline.

ARUP Laboratories, Molecular Genetics and Genomics, ARUP Laboratories
Classification: Benign. Last evaluated: 2025-07-28. Review status: criteria provided, single submitter. Criteria: ARUP Molecular Germline Variant Investigation Process 2024. Collection method: clinical testing. Allele origin: germline.

Blueprint Genetics
Classification: Benign. Last evaluated: 2024-11-27. Review status: criteria provided, single submitter. Criteria: ACMG Guidelines, 2015. Collection method: clinical testing. Allele origin: germline.

Mayo Clinic Laboratories, Mayo Clinic
Classification: Benign. Last evaluated: 2024-11-14. Review status: criteria provided, single submitter. Criteria: ACMG Guidelines, 2015. Collection method: clinical testing. Allele origin: germline. Observed: 238 variant alleles.

Genome-Nilou Lab
Classification: Benign for Imerslund-Grasbeck syndrome type 1. Last evaluated: 2021-07-30. Review status: criteria provided, single submitter. Criteria: ACMG Guidelines, 2015. Collection method: clinical testing. Allele origin: germline. Affected: no.

GeneDx
Classification: Benign. Last evaluated: 2018-07-07. Review status: criteria provided, single submitter. Criteria: GeneDx Variant Classification Process June 2021. Collection method: clinical testing. Allele origin: germline. Affected: yes.
Comment: This variant is associated with the following publications: (PMID: 23824729, 19744961, 23754956)

Illumina Laboratory Services, Illumina
Classification: Benign for Imerslund-Grasbeck syndrome type 1. Last evaluated: 2018-01-13. Review status: criteria provided, single submitter. Criteria: ICSL Variant Classification Criteria 13 December 2019. Collection method: clinical testing. Allele origin: germline.
Comment: This variant was observed in the ICSL laboratory as part of a predisposition screen in an ostensibly healthy population. It had not been previously curated by ICSL or reported in the Human Gene Mutation Database (HGMD: prior to June 1st, 2018), and was therefore a candidate for classification through an automated scoring system. Utilizing variant allele frequency, disease prevalence and penetrance estimates, and inheritance mode, an automated score was calculated to assess if this variant is too frequent to cause the disease. Based on the score and internal cut-off values, a variant classified as benign is not then subjected to further curation. The score for this variant resulted in a classification of benign for this disease.

Breakthrough Genomics
Classification: Benign. Review status: criteria provided, single submitter. Criteria: ACMG Guidelines, 2015. Collection method: not provided. Allele origin: germline. Inheritance: Autosomal recessive inheritance. Affected: yes.